The following is an entry in ClinVar:

NM_004385.5(VCAN):c.1412C>T (p.Thr471Met)

Gene: VCAN (versican; plus strand). Cytogenetic location: 5q14.3.
Variant type: single nucleotide variant.
Coding change: c.1412C>T on transcript NM_004385.5 (MANE Select); coding-DNA position 1412, C replaced by T.
Protein change: p.Thr471Met; replaces threonine 471 with methionine.
Molecular consequence: missense variant. On other transcripts: intron variant (2).
Genome position (GRCh38, 1-based): chr5:83,519,718, C>T. VCF-style: chr5-83519718-C-T. GRCh37 (hg19) VCF-style: chr5-82815537-C-T.
Other names: c.1412C>T, p.Thr471Met (NM_001164098.2); c.1042+7322C>T (NM_001164097.2, NM_001126336.3); short protein forms T471M.
Identifiers: ClinVar variation 1393114 (VCV001393114.7), dbSNP rs528488016, ClinGen allele CA3332669.

ClinVar aggregate classification (germline): Conflicting classifications of pathogenicity. Review status: criteria provided, conflicting classifications (1 of 4 stars). 2 submissions from 2 submitters: Uncertain significance (1); Likely benign (1). Last evaluated 2025-10-22.

Allele frequency attached by ClinVar (database versions not stated): gnomAD 0.00002; gnomAD exomes 0.00005 and 0.00006; TOPMed 0.00005; ExAC 0.00008.
gnomAD v4.1: 72 of 1,614,012 alleles (0.0045%); highest among the groups gnomAD compares: Middle Eastern, 0.016%; no homozygotes.

Submissions (2):

Labcorp Genetics (formerly Invitae), Labcorp
Classification: Uncertain significance. Last evaluated: 2025-10-22. Review status: criteria provided, single submitter. Criteria: Invitae Variant Classification Sherloc (09022015). Collection method: clinical testing. Allele origin: germline.
Comment: This sequence change replaces threonine, which is neutral and polar, with methionine, which is neutral and non-polar, at codon 471 of the VCAN protein (p.Thr471Met). This variant is present in population databases (rs528488016, gnomAD 0.01%). This variant has not been reported in the literature in individuals affected with VCAN-related conditions. ClinVar contains an entry for this variant (Variation ID: 1393114). An algorithm developed to predict the effect of missense changes on protein structure and function (PolyPhen-2) suggests that this variant is likely to be disruptive. In summary, the available evidence is currently insufficient to determine the role of this variant in disease. Therefore, it has been classified as a Variant of Uncertain Significance.

Blueprint Genetics
Classification: Likely benign. Last evaluated: 2024-10-03. Review status: criteria provided, single submitter. Criteria: ACMG Guidelines, 2015. Collection method: clinical testing. Allele origin: germline.